The following is an entry in ClinVar:

NM_001082486.2(ACD):c.104T>C (p.Leu35Pro)

Gene: ACD (ACD shelterin complex subunit and telomerase recruitment factor; minus strand). Cytogenetic location: 16q22.1.
Variant type: single nucleotide variant.
Coding change: c.104T>C on transcript NM_001082486.2 (MANE Select); coding-DNA position 104, T replaced by C.
Protein change: p.Leu35Pro; replaces leucine 35 with proline.
Molecular consequence: missense variant. On other transcripts: intron variant (1).
Genome position (GRCh38, 1-based): chr16:67,660,041, A>G on the plus strand (T>C on the coding strand, the complement: ACD is on the minus strand). VCF-style: chr16-67660041-A-G. GRCh37 (hg19) VCF-style: chr16-67693944-A-G.
Other names: c.104T>C, p.Leu35Pro (NM_001410884.1); c.100-5T>C (NM_022914.3); short protein forms L35P.
Identifiers: ClinVar variation 1733403 (VCV001733403.2), dbSNP rs2543610764, ClinGen allele CA396358043.

ClinVar aggregate classification (germline): Uncertain significance (1 of 4 stars; one submission).

Conditions:
Inborn genetic diseases. Identifiers: MedGen C0950123, MeSH D030342.

Submission:

Ambry Genetics
Classification: Uncertain significance for Inborn genetic diseases. Last evaluated: 2021-12-15. Review status: criteria provided, single submitter. Criteria: Ambry Variant Classification Scheme 2023. Collection method: clinical testing. Allele origin: germline.
Comment: The p.L121P variant (also known as c.362T>C), located in coding exon 2 of the ACD gene, results from a T to C substitution at nucleotide position 362. The leucine at codon 121 is replaced by proline, an amino acid with similar properties. This amino acid position is conserved. In addition, the in silico prediction for this alteration is inconclusive. Since supporting evidence is limited at this time, the clinical significance of this alteration remains unclear.